The following is an entry in ClinVar:

NM_005055.5(RAPSN):c.1166+1G>T

Gene: RAPSN (receptor associated protein of the synapse; minus strand). Cytogenetic location: 11p11.2.
Variant type: single nucleotide variant.
Coding change: c.1166+1G>T on transcript NM_005055.5 (MANE Select); the canonical splice donor site of the intron after coding-DNA position 1166, G replaced by T.
Molecular consequence: splice donor variant.
Genome position (GRCh38, 1-based): chr11:47,438,731, C>A on the plus strand (G>T on the coding strand, the complement: RAPSN is on the minus strand). VCF-style: chr11-47438731-C-A. GRCh37 (hg19) VCF-style: chr11-47460282-C-A.
Other names: c.989+1G>T (NM_032645.5); c.1166+1G>T (NM_005055.4).
Identifiers: ClinVar variation 2420574 (VCV002420574.10), dbSNP rs1325133502, ClinGen allele CA380326991.

ClinVar aggregate classification (germline): Pathogenic/Likely pathogenic. Review status: criteria provided, multiple submitters, no conflicts (2 of 4 stars). 2 submissions from 2 submitters: Pathogenic (1); Likely pathogenic (1). Last evaluated 2025-10-04.

Conditions:
Fetal akinesia deformation sequence 1 (FADS1). Also called: Pena-Shokeir syndrome type I; Fetal akinesia sequence. Identifiers: Orphanet 994, MedGen C1276035, MONDO:0100101, OMIM 208150, HP:0001989.
Congenital myasthenic syndrome 11. Also called: Myasthenic syndrome, congenital, 11, associated with acetylcholine receptor deficiency; MYASTHENIC SYNDROME, CONGENITAL, Ie. Identifiers: Orphanet 590, MedGen C4225367, MONDO:0014588, OMIM 616326.
Congenital myasthenic syndrome (CMS). Also called: Congenital Myasthenic Syndromes. Identifiers: Orphanet 590, MedGen C0751882, MeSH D020294, MONDO:0018940.

gnomAD v4.1: 1 of 1,560,356 alleles (0.000064%); no homozygotes.

Submissions (2):

Natera, Inc.
Classification: Likely pathogenic for Congenital myasthenic syndrome. Last evaluated: 2025-10-04. Review status: criteria provided, single submitter. Criteria: Natera Variant Classification Schema (03/2026). Collection method: clinical testing. Allele origin: germline.
Comment: The c.1166+1G>T variant in RAPSN is a canonical splice donor site variant predicted to affect pre-mRNA splicing, which may result in an abnormal transcript and altered protein product. This variant is expected to result in nonsense mediated decay, truncation, or a dysfunctional protein product. This variant is rare in the general population with a frequency below the threshold expected for the associated phenotype(s). Given the available evidence, this variant is classified as Likely Pathogenic.

Labcorp Genetics (formerly Invitae), Labcorp
Classification: Pathogenic for Congenital myasthenic syndrome 11; Fetal akinesia deformation sequence 1. Last evaluated: 2022-06-27. Review status: criteria provided, single submitter. Criteria: Invitae Variant Classification Sherloc (09022015). Collection method: clinical testing. Allele origin: germline.
Comment: This variant disrupts a region of the RAPSN protein in which other variant(s) (p.Thr396Profs*12) have been determined to be pathogenic (PMID: 26782015, 29054425). This suggests that this is a clinically significant region of the protein, and that variants that disrupt it are likely to be disease-causing. For these reasons, this variant has been classified as Pathogenic. Variants that disrupt the consensus splice site are a relatively common cause of aberrant splicing (PMID: 17576681, 9536098). Algorithms developed to predict the effect of sequence changes on RNA splicing suggest that this variant may disrupt the consensus splice site. This sequence change affects a donor splice site in intron 7 of the RAPSN gene. While this variant is not anticipated to result in nonsense mediated decay, it likely alters RNA splicing and results in a disrupted protein product. This variant is not present in population databases (gnomAD no frequency). This variant has not been reported in the literature in individuals affected with RAPSN-related conditions.

Literature cited by the submitters: PubMed 26782015 (cited by Labcorp Genetics (formerly Invitae), Labcorp); PubMed 29054425 (cited by Labcorp Genetics (formerly Invitae), Labcorp); PubMed 17576681 (cited by Labcorp Genetics (formerly Invitae), Labcorp); PubMed 9536098 (cited by Labcorp Genetics (formerly Invitae), Labcorp).